The following is an entry in ClinVar:

ClinVar aggregate classification (germline): Benign/Likely benign. Review status: criteria provided, multiple submitters, no conflicts (2 of 4 stars). 3 submissions from 3 submitters: Benign (1); Likely benign (2). Last evaluated 2024-04-03.

Conditions:
Familial adenomatous polyposis 1 (FAP1). Also called: FAMILIAL ADENOMATOUS POLYPOSIS 1, ATTENUATED; POLYPOSIS, ADENOMATOUS INTESTINAL. Identifiers: MedGen C2713442, MONDO:0021056, OMIM 175100. Disease mechanism: loss of function.
Hereditary cancer-predisposing syndrome. Also called: Tumor predisposition; Hereditary Cancer Syndrome; Hereditary neoplastic syndrome; Neoplastic Syndromes, Hereditary. Identifiers: Orphanet 140162, MedGen C0027672, MeSH D009386, MONDO:0015356.

Submissions (3):

Myriad Genetics, Inc.
Classification: Benign for Familial adenomatous polyposis 1. Last evaluated: 2024-04-03. Review status: criteria provided, single submitter. Criteria: Myriad Autosomal Dominant, Autosomal Recessive and X-Linked Classification Criteria (2023). Collection method: clinical testing. Allele origin: unknown.
Comment: This variant is considered benign. This variant is a silent/synonymous amino acid change and it is not expected to impact splicing.

Labcorp Genetics (formerly Invitae), Labcorp
Classification: Likely benign for Familial adenomatous polyposis 1. Last evaluated: 2023-04-06. Review status: criteria provided, single submitter. Criteria: Invitae Variant Classification Sherloc (09022015). Collection method: clinical testing. Allele origin: germline.

Ambry Genetics
Classification: Likely benign for Hereditary cancer-predisposing syndrome. Last evaluated: 2021-02-17. Review status: criteria provided, single submitter. Criteria: Ambry Variant Classification Scheme 2023. Collection method: clinical testing. Allele origin: germline.

NM_000038.6(APC):c.6039T>C (p.His2013=)

Gene: APC (APC regulator of Wnt signaling pathway; plus strand). Cytogenetic location: 5q22.2.
Variant type: single nucleotide variant.
Coding change: c.6039T>C on transcript NM_000038.6 (MANE Select); coding-DNA position 6039, T replaced by C.
Protein change: p.His2013=; no amino-acid change (histidine 2013 retained).
Molecular consequence: synonymous variant.
Genome position (GRCh38, 1-based): chr5:112,841,633, T>C. VCF-style: chr5-112841633-T-C. GRCh37 (hg19) VCF-style: chr5-112177330-T-C.
Other names: c.6039T>C, p.His2013= (NM_001127510.3, NM_001354895.2); c.5985T>C, p.His1995= (NM_001127511.3); c.6093T>C, p.His2031= (NM_001354896.2); c.6069T>C, p.His2023= (NM_001354897.2); c.5964T>C, p.His1988= (NM_001354898.2); c.5955T>C, p.His1985= (NM_001354899.2); c.5916T>C, p.His1972= (NM_001354900.2); c.5862T>C, p.His1954= (NM_001354901.2); and 5 more.
Identifiers: ClinVar variation 537675 (VCV000537675.13), dbSNP rs1554087166, ClinGen allele CA446210164.
Genomic context (GRCh38, chr5:112,841,633, plus strand): 5'-TGACTCACAGGGAGAACCAAGTAAACCTCAAGCATCAGGCTATGCTCCTAAATCATTTCA[T>C]GTTGAAGATACCCCAGTTTGTTTCTCAAGAAACAGTTCTCTCAGTTCTCTTAGTATTGAC-3'
Protein context (NP_000029.2, residues 2003-2023): QASGYAPKSF[His2013=]VEDTPVCFSR